The following is an entry in ClinVar:

NM_020987.5(ANK3):c.12368G>A (p.Arg4123His)

Gene: ANK3 (ankyrin 3; minus strand). Cytogenetic location: 10q21.2.
Variant type: single nucleotide variant.
Coding change: c.12368G>A on transcript NM_020987.5 (MANE Select); coding-DNA position 12368, G replaced by A.
Protein change: p.Arg4123His; replaces arginine 4123 with histidine.
Molecular consequence: missense variant.
Genome position (GRCh38, 1-based): chr10:60,064,240, C>T on the plus strand (G>A on the coding strand, the complement: ANK3 is on the minus strand). VCF-style: chr10-60064240-C-T. GRCh37 (hg19) VCF-style: chr10-61823998-C-T.
Other names: c.1931G>A, p.Arg644His (NM_001149.4); c.4511G>A, p.Arg1504His (NM_001204403.2); c.4532G>A, p.Arg1511His (NM_001204404.2); c.4529G>A, p.Arg1510His (NM_001320874.2); short protein forms R1504H, R4123H, R1511H, R1510H, R644H.
Identifiers: ClinVar variation 872693 (VCV000872693.46), dbSNP rs780088040, ClinGen allele CA5510901.

ClinVar aggregate classification (germline): Uncertain significance. Review status: criteria provided, multiple submitters, no conflicts (2 of 4 stars). 2 submissions from 2 submitters: Uncertain significance (2). Last evaluated 2022-07-11.

Allele frequency attached by ClinVar (database versions not stated): gnomAD exomes below 0.00001 and 0.00001; ExAC 0.00001; gnomAD 0.00001.
gnomAD v4.1: 16 of 1,580,852 alleles (0.001%); highest among the groups gnomAD compares: South Asian, 0.0095%; no homozygotes.

Submissions (2):

Labcorp Genetics (formerly Invitae), Labcorp
Classification: Uncertain significance. Last evaluated: 2022-07-11. Review status: criteria provided, single submitter. Criteria: Invitae Variant Classification Sherloc (09022015). Collection method: clinical testing. Allele origin: germline.
Comment: In summary, the available evidence is currently insufficient to determine the role of this variant in disease. Therefore, it has been classified as a Variant of Uncertain Significance. Algorithms developed to predict the effect of missense changes on protein structure and function are either unavailable or do not agree on the potential impact of this missense change (SIFT: "Not Available"; PolyPhen-2: "Probably Damaging"; Align-GVGD: "Not Available"). ClinVar contains an entry for this variant (Variation ID: 872693). This missense change has been observed in individual(s) with ANK3-related conditions (PMID: 33994118). This variant is present in population databases (rs780088040, gnomAD 0.004%). This sequence change replaces arginine with histidine at codon 4123 of the ANK3 protein (p.Arg4123His). The arginine residue is highly conserved and there is a small physicochemical difference between arginine and histidine.

CeGaT Center for Human Genetics Tuebingen
Classification: Uncertain significance. Last evaluated: 2019-11-01. Review status: criteria provided, single submitter. Criteria: CeGaT Center For Human Genetics Tuebingen Variant Classification Criteria Version 2. Collection method: clinical testing. Allele origin: germline. Affected: yes. Observed: 3 variant alleles.

Literature cited by the submitters: PubMed 33994118 (cited by Labcorp Genetics (formerly Invitae), Labcorp).